The following is an entry in ClinVar:

NM_198129.4(LAMA3):c.8994A>C (p.Leu2998=)

Gene: LAMA3 (laminin subunit alpha 3; plus strand). Cytogenetic location: 18q11.2.
Variant type: single nucleotide variant.
Coding change: c.8994A>C on transcript NM_198129.4 (MANE Select); coding-DNA position 8994, A replaced by C.
Protein change: p.Leu2998=; no amino-acid change (leucine 2998 retained).
Molecular consequence: synonymous variant.
Genome position (GRCh38, 1-based): chr18:23,939,354, A>C. VCF-style: chr18-23939354-A-C. GRCh37 (hg19) VCF-style: chr18-21519318-A-C.
Other names: c.4167A>C, p.Leu1389= (NM_000227.6); c.8826A>C, p.Leu2942= (NM_001127717.4); c.3999A>C, p.Leu1333= (NM_001127718.4).
Identifiers: ClinVar variation 751255 (VCV000751255.12), dbSNP rs566439275, ClinGen allele CA8917057.
Genomic context (GRCh38, chr18:23,939,354, plus strand): 5'-CAAGACCCAGGCCAATCATGGAGCCCTCCAGTTTGGGGACATTCCCACCAGCCACTTGCT[A>C]TTCAAGCTTCCTCAGGAGCTGCTGAAACCCAGGTATTATTTAGCTTTCCTGCCCCAGCAC-3'
Protein context (NP_937762.2, residues 2988-3008): QFGDIPTSHL[Leu2998=]FKLPQELLKP

ClinVar aggregate classification (germline): Likely benign. Review status: criteria provided, multiple submitters, no conflicts (2 of 4 stars). 3 submissions from 3 submitters: Likely benign (3). Last evaluated 2026-08-19.

Conditions:
LAMA3-related disorder. Also called: LAMA3-related condition; LAMA3-related disorders.

Allele frequency attached by ClinVar (database versions not stated): gnomAD below 0.00001 and 0.00005; TOPMed 0.00002; gnomAD exomes 0.00023; 1000 Genomes Project 30x 0.00031; ExAC 0.00032; 1000 Genomes Project 0.00040.
gnomAD v4.1: 185 of 1,614,192 alleles (0.011%); highest among the groups gnomAD compares: South Asian, 0.2%; 2 homozygotes.

Submissions (3):

PreventionGenetics, part of Exact Sciences
Classification: Likely benign for LAMA3-related condition. Last evaluated: 2026-08-19. Review status: criteria provided, single submitter. Criteria: ACMG Guidelines, 2015. Collection method: clinical testing. Allele origin: germline.
Comment: This variant is classified as likely benign based on ACMG/AMP sequence variant interpretation guidelines (Richards et al. 2015 PMID: 25741868, with internal and published modifications).

Labcorp Genetics (formerly Invitae), Labcorp
Classification: Likely benign. Last evaluated: 2026-01-26. Review status: criteria provided, single submitter. Criteria: Invitae Variant Classification Sherloc (09022015). Collection method: clinical testing. Allele origin: germline.

Blueprint Genetics
Classification: Likely benign. Last evaluated: 2024-11-25. Review status: criteria provided, single submitter. Criteria: ACMG Guidelines, 2015. Collection method: clinical testing. Allele origin: germline.